The following is an entry in ClinVar:

NM_000169.3(GLA):c.564del (p.Leu189fs)

Genes: GLA (galactosidase alpha; minus strand), RPL36A-HNRNPH2 (RPL36A-HNRNPH2 readthrough; plus strand). Cytogenetic location: Xq22.1.
Variant type: Deletion.
Coding change: c.564del on transcript NM_000169.3 (MANE Select); coding-DNA position 564, one base deleted (C; older notation c.564delC).
Protein change: p.Leu189fs; shifts the reading frame from leucine 189.
Molecular consequence: frameshift variant. On other transcripts: non-coding transcript variant (2), intron variant (2).
Genome position (GRCh38, 1-based): chrX:101,400,741, G deleted on the plus strand (C on the coding strand, the reverse complement: GLA is on the minus strand); the first of 2 consecutive G bases (chrX:101,400,741-101,400,742); deleting either gives the same sequence. VCF-style (leftmost placement, unchanged base first): chrX-101400740-AG-A. GRCh37 (hg19) VCF-style: chrX-100655728-AG-A.
Other names: c.687del, p.Leu230fs (NM_001406747.1); c.564del, p.Leu189fs (NM_001406748.1); c.300+5285del (NM_001199973.2); c.177+8920del (NM_001199974.2); short protein forms L189fs, L230fs.
Identifiers: ClinVar variation 2907592 (VCV002907592.5), dbSNP rs2520887463, ClinGen allele CA2695234963.
Genomic context (GRCh38, chrX:101,400,740, plus strand): 5'-ACATATAAAGAGGCCACTCACAGGAGTACACAATGCTTCTGCCAGTCCTATTCAGGGCCA[AG>A]GACATGTGCTTATAACCTGTATGAGAAAACAATGGGTAAAATAAGGGAAAGAAATGAATT-3'

ClinVar aggregate classification (germline): Pathogenic. Review status: criteria provided, multiple submitters, no conflicts (2 of 4 stars). 2 submissions from 2 submitters: Pathogenic (2). Last evaluated 2026-09-08.

Conditions:
Fabry disease. Also called: ALPHA-GALACTOSIDASE A DEFICIENCY; ANDERSON-FABRY DISEASE; CERAMIDE TRIHEXOSIDASE DEFICIENCY; Angiokeratoma corporis diffusum; Fabry's disease; Ceramide trihexosidosis. Identifiers: Orphanet 324, MedGen C0002986, MONDO:0010526, OMIM 301500, HP:0001071. Disease mechanism: Fabry disease is due to inactivating mutations in the X-linked GLA gene resulting in deficiency of the enzyme Alpha Galactosidase-A., loss of function.

Submissions (2):

Genomenon, Inc
Classification: Pathogenic for Fabry disease. Last evaluated: 2026-09-08. Review status: criteria provided, single submitter. Criteria: Genomenon Sequence Variant Interpretation Standards - Updated. Collection method: curation. Allele origin: germline. Affected: yes.
Comment: GLA p.Leu189TrpfsTer3 (c.564del) is a frameshift variant that is predicted to introduce a premature termination codon and result in a truncated or absent protein product. This variant has been observed in at least one proband with clinical features consistent with Fabry disease (PMID:32843101;30988410). Functional or patient cell studies have been reported (PMID:32843101). It is absent or not present at a significant frequency in gnomAD. In conclusion, we classify GLA p.Leu189TrpfsTer3 (c.564del) as a pathogenic variant.

Labcorp Genetics (formerly Invitae), Labcorp
Classification: Pathogenic for Fabry disease. Last evaluated: 2024-05-02. Review status: criteria provided, single submitter. Criteria: Invitae Variant Classification Sherloc (09022015). Collection method: clinical testing. Allele origin: germline.
Comment: This sequence change creates a premature translational stop signal (p.Leu189Trpfs*3) in the GLA gene. It is expected to result in an absent or disrupted protein product. Loss-of-function variants in GLA are known to be pathogenic (PMID: 10666480, 12175777). This variant is not present in population databases (gnomAD no frequency). This premature translational stop signal has been observed in individual(s) with Fabry disease (PMID: 30988410). Algorithms developed to predict the effect of sequence changes on RNA splicing suggest that this variant may disrupt the consensus splice site. For these reasons, this variant has been classified as Pathogenic.

Literature cited by the submitters: PubMed 32843101 (cited by Genomenon, Inc); PubMed 30988410 (cited by Genomenon, Inc and Labcorp Genetics (formerly Invitae), Labcorp); PubMed 10666480 (cited by Labcorp Genetics (formerly Invitae), Labcorp); PubMed 12175777 (cited by Labcorp Genetics (formerly Invitae), Labcorp).